The following is an entry in ClinVar:

ClinVar aggregate classification (germline): Uncertain significance (1 of 4 stars; one submission).

Submission:

Labcorp Genetics (formerly Invitae), Labcorp
Classification: Uncertain significance. Last evaluated: 2025-11-24. Review status: criteria provided, single submitter. Criteria: Invitae Variant Classification Sherloc (09022015). Collection method: clinical testing. Allele origin: germline.
Comment: This sequence change falls in intron 7 of the CDH2 gene. It does not directly change the encoded amino acid sequence of the CDH2 protein. Information on the frequency of this variant in the gnomAD database is not available, as this variant may be reported differently in the database. This variant has not been reported in the literature in individuals affected with CDH2-related conditions. ClinVar contains an entry for this variant (Variation ID: 1972870). Experimental studies and prediction algorithms are not available or were not evaluated, and the effect of this variant on mRNA splicing is currently unknown. In summary, the available evidence is currently insufficient to determine the role of this variant in disease. Therefore, it has been classified as a Variant of Uncertain Significance.

NM_001792.5(CDH2):c.1021-21_1021-20delinsGA

Gene: CDH2 (cadherin 2; minus strand). Cytogenetic location: 18q12.1.
Variant type: Indel.
Coding change: c.1021-21_1021-20delinsGA on transcript NM_001792.5 (MANE Select); 21 bases into the intron before coding-DNA position 1021 through 20 bases into the intron before coding-DNA position 1021, CT replaced by GA.
Molecular consequence: intron variant.
Genome position (GRCh38, 1-based): chr18:27,993,657-27,993,658, AG replaced by TC on the plus strand (CT replaced by GA on the coding strand, the reverse complement: CDH2 is on the minus strand). VCF-style: chr18-27993657-AG-TC. GRCh37 (hg19) VCF-style: chr18-25573621-AG-TC.
Other names: c.928-21_928-20delinsGA (NM_001308176.2).
Identifiers: ClinVar variation 1972870 (VCV001972870.5), dbSNP rs2510800583, ClinGen allele CA2580095638.